The following is an entry in ClinVar:

ClinVar aggregate classification (germline): Uncertain significance (1 of 4 stars; one submission).

Conditions:
Inborn genetic diseases. Identifiers: MedGen C0950123, MeSH D030342.

gnomAD v4.1: 13 of 1,614,124 alleles (0.00081%); highest among the groups gnomAD compares: Non-Finnish European, 0.0011%; no homozygotes.

Submission:

Ambry Genetics
Classification: Uncertain significance for Inborn genetic diseases. Last evaluated: 2025-11-11. Review status: criteria provided, single submitter. Criteria: Ambry Variant Classification Scheme 2023. Collection method: clinical testing. Allele origin: germline.
Comment: The c.947C>T (p.A316V) alteration is located in exon 8 (coding exon 8) of the F2 gene. This alteration results from a C to T substitution at nucleotide position 947, causing the alanine (A) at amino acid position 316 to be replaced by a valine (V). Based on data from gnomAD, the T allele has an overall frequency of <0.001% (1/251188) total alleles studied. The highest observed frequency was 0.001% (1/113502) of European (non-Finnish) alleles. Based on insufficient or conflicting evidence, the clinical significance of this alteration remains unclear.

NM_000506.5(F2):c.947C>T (p.Ala316Val)

Gene: F2 (coagulation factor II, thrombin; plus strand). Cytogenetic location: 11p11.2.
Variant type: single nucleotide variant.
Coding change: c.947C>T on transcript NM_000506.5 (MANE Select); coding-DNA position 947, C replaced by T.
Protein change: p.Ala316Val; replaces alanine 316 with valine.
Molecular consequence: missense variant.
Genome position (GRCh38, 1-based): chr11:46,726,570, C>T. VCF-style: chr11-46726570-C-T. GRCh37 (hg19) VCF-style: chr11-46748120-C-T.
Other names: short protein forms A316V.
Identifiers: ClinVar variation 4619030 (VCV004619030.1).
Genomic context (GRCh38, chr11:46,726,570, plus strand): 5'-AGGAGGAGACAGGAGATGGGCTGGATGAGGACTCAGACAGGGCCATCGAAGGGCGTACCG[C>T]CACCAGTGAGTACCAGACTTTCTTCAATCCGAGGACCTTTGGCTCGGGAGAGGCAGGTGA-3'
Protein context (NP_000497.1, residues 306-326): DSDRAIEGRT[Ala316Val]TSEYQTFFNP